The following is an entry in ClinVar:

NM_021072.4(HCN1):c.1420C>G (p.Pro474Ala)

Gene: HCN1 (hyperpolarization activated cyclic nucleotide gated potassium channel 1; minus strand). Cytogenetic location: 5p12.
Variant type: single nucleotide variant.
Coding change: c.1420C>G on transcript NM_021072.4 (MANE Select); coding-DNA position 1420, C replaced by G.
Protein change: p.Pro474Ala; replaces proline 474 with alanine.
Molecular consequence: missense variant.
Genome position (GRCh38, 1-based): chr5:45,303,797, G>C on the plus strand (C>G on the coding strand, the complement: HCN1 is on the minus strand). VCF-style: chr5-45303797-G-C. GRCh37 (hg19) VCF-style: chr5-45303899-G-C.
Other names: short protein forms P474A.
Identifiers: ClinVar variation 3659258 (VCV003659258.2).
Genomic context (GRCh38, chr5:45,303,797, plus strand): 5'-CAAATCTCAACTTGCTCAGCATGGCAGTCACAAAATTAGGATCCGCATTAGCAAATAAAG[G>C]CATTGTAGCCACCAGTTTCCGACAGTTGAAGTTGACTATCTCCTAAAGATGTCAAGAGTA-3'
Protein context (NP_066550.2, residues 464-484): FNCRKLVATM[Pro474Ala]LFANADPNFV

ClinVar aggregate classification (germline): Uncertain significance (1 of 4 stars; one submission).

Conditions:
Early-infantile DEE. Also called: Ohtahara syndrome; Early infantile epileptic encephalopathy; Early infantile epileptic encephalopathy with suppression bursts. Identifiers: Orphanet 1934, MedGen C0393706, MONDO:0800491.

Submission:

Labcorp Genetics (formerly Invitae), Labcorp
Classification: Uncertain significance for Early-infantile DEE. Last evaluated: 2024-07-11. Review status: criteria provided, single submitter. Criteria: Invitae Variant Classification Sherloc (09022015). Collection method: clinical testing. Allele origin: germline.
Comment: This sequence change replaces proline, which is neutral and non-polar, with alanine, which is neutral and non-polar, at codon 474 of the HCN1 protein (p.Pro474Ala). This variant is not present in population databases (gnomAD no frequency). This variant has not been reported in the literature in individuals affected with HCN1-related conditions. Advanced modeling of protein sequence and biophysical properties (such as structural, functional, and spatial information, amino acid conservation, physicochemical variation, residue mobility, and thermodynamic stability) performed at Invitae indicates that this missense variant is expected to disrupt HCN1 protein function with a positive predictive value of 80%. In summary, the available evidence is currently insufficient to determine the role of this variant in disease. Therefore, it has been classified as a Variant of Uncertain Significance.